The following continues an entry in ClinVar:

NM_000051.4(ATM):c.8147T>C (p.Val2716Ala)

ClinVar aggregate classification (germline): Pathogenic/Likely pathogenic. Pathogenic (32); Likely pathogenic (12).

Submissions 40 to 53 of 53:

Academic Department of Medical Genetics, University of Cambridge
Classification: Likely pathogenic for Hereditary cancer-predisposing syndrome. Last evaluated: 2018-01-26. Review status: criteria provided, single submitter. Criteria: ACMG Guidelines, 2015. Collection method: research. Allele origin: germline. Affected: yes. Observed: 1 heterozygote.
Comment: Application of AMCG guidelines 2015. Used other ClinVar submission evidence where relevant. Loss of heterozygosity in tumours or immunohistochemistry abnormalities considered functional evidence of pathogenicity.

Identified as part of research study of individuals with multiple primary tumours referred for genetic assessment

Human Genome Sequencing Center Clinical Lab, Baylor College of Medicine
Classification: Likely pathogenic for Familial cancer of breast. Last evaluated: 2017-06-05. Review status: criteria provided, single submitter. Criteria: ACMG Guidelines, 2015. Collection method: clinical testing. Allele origin: germline.
Comment: This c.8147T>C (p.Val2716Ala) has previously been reported in compound heterozygous patients with ataxia telangiectasia most of them diagnosed in adulthood [PMID 19535770, 16864838, 21965147]. This variant is located in the kinase domain and in vitro data showed reduced kinase activity and lower ATM protein [PMID 11805335]. This variant was observed in 5 individuals at the heterozygous state in the ExAC database. Valine at amino acid position 2716 of the ATM protein is conserved in mammals. While not validated for clinical use, computer-based algorithms SIFT and Polyphen-2 did not yield concordant predictions regarding the pathogenicity of the change. It is thus interpreted as a likely pathogenic variant. However, the estimated cancer risk for this variant has not been determined.

Genesis Genomics
Classification: Likely pathogenic for Familial cancer of breast. Review status: criteria provided, single submitter. Criteria: ACMG Guidelines, 2015. Collection method: clinical testing. Allele origin: germline. Affected: yes. Observed: 1 variant allele.

Institute for Medical Genetics and Human Genetics, Charité - Universitätsmedizin Berlin
Classification: Pathogenic for Ataxia-telangiectasia syndrome. Review status: criteria provided, single submitter. Criteria: ACMG Guidelines, 2015. Collection method: not provided. Allele origin: germline. Inheritance: Autosomal recessive inheritance. Affected: yes.

University Health Network, Familial Cancer Clinic, Princess Margaret Cancer Centre
Classification: Pathogenic for ATM-related cancer predisposition. Review status: criteria provided, single submitter. Criteria: ACMG Guidelines, 2015. Collection method: clinical testing. Allele origin: germline. Inheritance: Autosomal dominant inheritance. Affected: yes. Observed: 1 variant allele.

CZECANCA consortium
Classification: Pathogenic for Uterine corpus cancer. Last evaluated: 2023-02-21. Review status: no assertion criteria provided. Collection method: clinical testing. Allele origin: germline. Affected: yes. Observed: 1 variant allele. Not counted in ClinVar's aggregate classification.

Practice for Gait Abnormalities, David Pomarino, Competency Network Toe Walking C/o Practice Pomarino
Classification: Likely pathogenic for Tip-toe gait. Last evaluated: 2023-01-10. Review status: no assertion criteria provided. Collection method: clinical testing. Allele origin: germline. Affected: yes. Not counted in ClinVar's aggregate classification.
Comment: Gait disorder

Medical Genetics Laboratory, Umraniye Training and Research Hospital, University of Health Sciences
Classification: Pathogenic for Breast carcinoma. Last evaluated: 2021-09-12. Review status: no assertion criteria provided. Collection method: clinical testing. Allele origin: germline. Inheritance: Autosomal dominant inheritance. Affected: yes. Observed: 1 heterozygote. Not counted in ClinVar's aggregate classification.

Counsyl
Classification: Likely pathogenic for Ataxia-telangiectasia syndrome. Last evaluated: 2014-05-13. Review status: no assertion criteria provided. Collection method: literature only. Allele origin: unknown. Inheritance: Autosomal recessive inheritance. Not counted in ClinVar's aggregate classification.

Clinical Genetics Laboratory, Department of Pathology, Netherlands Cancer Institute
Classification: Pathogenic. Review status: no assertion criteria provided. Collection method: clinical testing. Allele origin: germline. Affected: yes. Study: VKGL Data-share Consensus. Not counted in ClinVar's aggregate classification.

Diagnostic Laboratory, Department of Genetics, University Medical Center Groningen
Classification: Pathogenic. Review status: no assertion criteria provided. Collection method: clinical testing. Allele origin: germline. Affected: yes. Study: VKGL Data-share Consensus. Not counted in ClinVar's aggregate classification.

GeneReviews
No classification provided. Condition: Ataxia-telangiectasia syndrome. Review status: no classification provided. Collection method: literature only. Allele origin: germline. Affected: yes. Not counted in ClinVar's aggregate classification.

Joint Genome Diagnostic Labs from Nijmegen and Maastricht, Radboudumc and MUMC+
Classification: Pathogenic. Review status: no assertion criteria provided. Collection method: clinical testing. Allele origin: germline. Affected: yes. Study: VKGL Data-share Consensus. Not counted in ClinVar's aggregate classification.

Laboratory of Diagnostic Genome Analysis, Leiden University Medical Center (LUMC)
Classification: Pathogenic. Review status: no assertion criteria provided. Collection method: clinical testing. Allele origin: germline. Affected: yes. Study: VKGL Data-share Consensus. Not counted in ClinVar's aggregate classification.

Literature cited by the submitters: PubMed 2557216 (cited by Labcorp Genetics (formerly Invitae), Labcorp and GeneKor MSA); PubMed 16864838 (cited by 8 submitters); PubMed 19535770 (cited by 8 submitters); PubMed 21354641 (cited by 3 submitters); PubMed 21965147 (cited by 8 submitters); PubMed 25957637 (cited by 6 submitters); PubMed 26976419 (cited by 5 submitters); PubMed 11805335 (cited by 11 submitters); PubMed 21792198 (cited by Ambry Genetics and Sema4); PubMed 22146522 (cited by Ambry Genetics); PubMed 25122203 (cited by Ambry Genetics and Athena Diagnostics); PubMed 30579816 (cited by Ambry Genetics and Athena Diagnostics); PubMed 30819809 (cited by 4 submitters); PubMed 31050087 (cited by 3 submitters); PubMed 34445196 (cited by Ambry Genetics); PubMed 32558426 (cited by Natera, Inc.); PubMed 26681312 (cited by 4 submitters); PubMed 32854451 (cited by Color Diagnostics, LLC DBA Color Health and Sema4); PubMed 33471991 (cited by Color Diagnostics, LLC DBA Color Health); PubMed 25572163 (cited by Athena Diagnostics); PubMed 25980754 (cited by Athena Diagnostics); PubMed 30322717 (cited by Athena Diagnostics); PubMed 28843361 (cited by Athena Diagnostics and Sema4); PubMed 30549301 (cited by Athena Diagnostics and Sema4); PubMed 29909963 (cited by Athena Diagnostics); PubMed 28126470 (cited by Athena Diagnostics); PubMed 21778326 (cited by Athena Diagnostics); PubMed 22213089 (cited by Athena Diagnostics); PubMed 29478780 (cited by Sema4); PubMed 37091313 (cited by Practice for Gait Abnormalities, David Pomarino, Competency Network Toe Walking C/o Practice Pomarino); PubMed 15279808 (cited by Counsyl); PubMed 19605768 (cited by GeneReviews); NCBI Bookshelf NBK26468 (cited by GeneReviews).